The following is an entry in ClinVar:

ClinVar aggregate classification (germline): Conflicting classifications of pathogenicity. Review status: criteria provided, conflicting classifications (1 of 4 stars). 9 submissions from 9 submitters: Uncertain significance (6); Likely benign (2). 1 of the submissions does not count toward it. Last evaluated 2025-12-06.

Conditions:
Breast and/or ovarian cancer. Identifiers: MedGen CN221562.
Hereditary cancer-predisposing syndrome. Also called: Tumor predisposition; Neoplastic Syndromes, Hereditary; Hereditary Cancer Syndrome; Hereditary neoplastic syndrome. Identifiers: Orphanet 140162, MedGen C0027672, MeSH D009386, MONDO:0015356.
Hereditary breast ovarian cancer syndrome. Also called: Hereditary breast and ovarian cancer syndrome (HBOC); Hereditary breast and ovarian cancer syndrome; Hereditary breast and ovarian cancer; Hereditary breast and/or ovarian cancer syndrome; Breast and ovarian cancer; BRCA1- and BRCA2-Associated Hereditary Breast and Ovarian Cancer. Identifiers: Orphanet 145, MedGen C0677776, MeSH D061325, MONDO:0003582. Disease mechanism: loss of function.
Breast-ovarian cancer, familial, susceptibility to, 1 (BROVCA1). Also called: OVARIAN CANCER, SUSCEPTIBILITY TO; BRCA1 Hereditary Breast and Ovarian Cancer. Identifiers: Orphanet 145, MedGen C2676676, MONDO:0011450, OMIM 604370. Disease mechanism: loss of function.

Allele frequency attached by ClinVar (database versions not stated): gnomAD exomes below 0.00001 and 0.00001.
gnomAD v4.1: 6 of 1,613,938 alleles (0.00037%); highest among the groups gnomAD compares: East Asian, 0.013%; no homozygotes.

Submissions (9):

Labcorp Genetics (formerly Invitae), Labcorp
Classification: Uncertain significance for Hereditary breast ovarian cancer syndrome. Last evaluated: 2025-12-06. Review status: criteria provided, single submitter. Criteria: Invitae Variant Classification Sherloc (09022015). Collection method: clinical testing. Allele origin: germline.
Comment: This sequence change replaces threonine, which is neutral and polar, with alanine, which is neutral and non-polar, at codon 843 of the BRCA1 protein (p.Thr843Ala). This variant is present in population databases (rs80357435, gnomAD 0.006%). This missense change has been observed in individual(s) with prostate cancer, breast and/or ovarian cancer (PMID: 30287823, 31214711, 31907386). ClinVar contains an entry for this variant (Variation ID: 54592). Invitae Evidence Modeling of protein sequence and biophysical properties (such as structural, functional, and spatial information, amino acid conservation, physicochemical variation, residue mobility, and thermodynamic stability) indicates that this missense variant is not expected to disrupt BRCA1 protein function with a negative predictive value of 80%. Experimental studies have shown that this missense change does not substantially affect BRCA1 function (PMID: 37731132). In summary, the available evidence is currently insufficient to determine the role of this variant in disease. Therefore, it has been classified as a Variant of Uncertain Significance.

Ambry Genetics
Classification: Likely benign for Hereditary cancer-predisposing syndrome. Last evaluated: 2024-04-25. Review status: criteria provided, single submitter. Criteria: Ambry Variant Classification Scheme 2023. Collection method: clinical testing. Allele origin: germline.

All of Us Research Program, National Institutes of Health
Classification: Uncertain significance for Breast-ovarian cancer, familial, susceptibility to, 1. Last evaluated: 2024-01-05. Review status: criteria provided, single submitter. Criteria: ACMG Guidelines, 2015. Collection method: clinical testing. Allele origin: germline. Inheritance: Autosomal dominant inheritance. Observed: 2 variant alleles, 2 heterozygotes.
Comment: This missense variant replaces threonine with alanine at codon 843 of the BRCA1 protein. Computational prediction suggests that this variant may not impact protein structure and function. To our knowledge, functional studies have not been reported for this variant. This variant has been reported in breast cancer, pancreatic cancer and prostate cancer case-control studies in 1/7051 female breast cancer cases and 3/11241 unaffected female individuals (PMID: 30287823), in 0/1005 pancreatic cancer cases and 6/23705 unaffected individuals (PMID: 32980694), and in 2/7636 prostate cancer cases and 2/12366 unaffected individuals (PMID: 31214711). This variant has been identified in 1/251106 chromosomes in the general population by the Genome Aggregation Database (gnomAD). The available evidence is insufficient to determine the role of this variant in disease conclusively. Therefore, this variant is classified as a Variant of Uncertain Significance.

This study involves interpretation of variants in research participants for the purpose of population health screening. Participant phenotype was not available at the time of variant classification. Additional details can be found in publication PMID: 35346344, PMCID: PMC8962531

Color Diagnostics, LLC DBA Color Health
Classification: Uncertain significance for Hereditary cancer-predisposing syndrome. Last evaluated: 2023-11-29. Review status: criteria provided, single submitter. Criteria: ACMG Guidelines, 2015. Collection method: clinical testing. Allele origin: germline.
Comment: This missense variant replaces threonine with alanine at codon 843 of the BRCA1 protein. Computational prediction suggests that this variant may not impact protein structure and function. To our knowledge, functional studies have not been reported for this variant. This variant has been reported in breast cancer, pancreatic cancer and prostate cancer case-control studies in 1/7051 female breast cancer cases and 3/11241 unaffected female individuals (PMID: 30287823), in 0/1005 pancreatic cancer cases and 6/23705 unaffected individuals (PMID: 32980694), and in 2/7636 prostate cancer cases and 2/12366 unaffected individuals (PMID: 31214711). This variant has been identified in 1/251106 chromosomes in the general population by the Genome Aggregation Database (gnomAD). The available evidence is insufficient to determine the role of this variant in disease conclusively. Therefore, this variant is classified as a Variant of Uncertain Significance.

University of Washington Department of Laboratory Medicine, University of Washington
Classification: Likely benign for Hereditary cancer-predisposing syndrome. Last evaluated: 2023-03-23. Review status: criteria provided, single submitter. Criteria: Dines et al. (Genet Med. 2020). Collection method: curation. Allele origin: germline.
Comment: Missense variant in a coldspot region where missense variants are very unlikely to be pathogenic (PMID:31911673).

BRCA1 coldspot (exon 11 using historical exon numbering). Reclassification based on statistical prior probability

CHEO Genetics Diagnostic Laboratory, Children's Hospital of Eastern Ontario
Classification: Uncertain significance for Breast and/or ovarian cancer. Last evaluated: 2022-11-10. Review status: criteria provided, single submitter. Criteria: ACMG Guidelines, 2015. Collection method: clinical testing. Allele origin: germline.

Women's Health and Genetics/Laboratory Corporation of America, LabCorp
Classification: Uncertain significance. Last evaluated: 2019-04-01. Review status: criteria provided, single submitter. Criteria: LabCorp Variant Classification Summary - May 2015. Collection method: clinical testing. Allele origin: germline.
Comment: Variant summary: BRCA1 c.2527A>G (p.Thr843Ala) results in a non-conservative amino acid change in the encoded protein sequence. Four of five in-silico tools predict a benign effect of the variant on protein function. The variant allele was found at a frequency of 2.4e-05 in 293360 control chromosomes (gnomAD and publication data). The available data on variant occurrences in the general population are insufficient to allow any conclusion about variant significance. This variant, c.2527A>G, has been reported in the literature in at least one individual affected with breast cancer (Momozawa 2018, Arai 2018), but was also found in several healthy controls (Momozawa 2018). These reports therefore do not provide unequivocal conclusions about association of the variant with Hereditary Breast and Ovarian Cancer. To our knowledge, no experimental evidence demonstrating an impact on protein function has been reported. One clinical diagnostic laboratory has submitted clinical-significance assessments for this variant to ClinVar after 2014 without evidence for independent evaluation and classified the variant as uncertain significance. Based on the evidence outlined above, the variant was classified as uncertain significance.

GeneDx
Classification: Uncertain significance. Last evaluated: 2017-01-26. Review status: criteria provided, single submitter. Criteria: GeneDx Variant Classification (06012015). Collection method: clinical testing. Allele origin: germline. Affected: yes.
Comment: This variant is denoted BRCA1 c.2527A>G at the cDNA level, p.Thr843Ala (T843A) at the protein level, and results in the change of a Threonine to an Alanine (ACA>GCA). Using alternate nomenclature, this variant would be defined as BRCA1 2646A>G. This variant has not, to our knowledge, been published in the literature as pathogenic or benign. BRCA1 Thr843Ala was not observed in approximately 6,500 individuals of European and African American ancestry in the NHLBI Exome Sequencing Project, suggesting it is not a common benign variant in these populations. Since Threonine and Alanine differ in polarity, charge, size or other properties, this is considered a non-conservative amino acid substitution. BRCA1 Thr843Ala occurs at a position that is not conserved and is located in the DNA binding domain that interacts with RAD51 (Chen 1998, Narod 2004). In silico analyses are inconsistent regarding the effect this variant may have on protein structure and function. Based on currently available evidence, it is unclear whether BRCA1 Thr843Ala is a pathogenic or benign variant. We consider it to be a variant of uncertain significance.

Breast Cancer Information Core (BIC) (BRCA1)
Classification: Uncertain significance for Breast-ovarian cancer, familial 1. Last evaluated: 1997-11-14. Review status: no assertion criteria provided. Collection method: clinical testing. Allele origin: germline. Affected: yes. Observed: 1 variant allele. Not counted in ClinVar's aggregate classification.

Literature cited by the submitters: PubMed 30287823 (cited by 5 submitters); PubMed 31214711 (cited by 3 submitters); PubMed 31907386 (cited by Labcorp Genetics (formerly Invitae), Labcorp); PubMed 37731132 (cited by Labcorp Genetics (formerly Invitae), Labcorp); PubMed 32980694 (cited by All of Us Research Program, National Institutes of Health and Color Diagnostics, LLC DBA Color Health); PubMed 29176636 (cited by Women's Health and Genetics/Laboratory Corporation of America, LabCorp).

NM_007294.4(BRCA1):c.2527A>G (p.Thr843Ala)

Gene: BRCA1 (BRCA1 DNA repair associated; minus strand). Cytogenetic location: 17q21.31.
Variant type: single nucleotide variant.
Coding change: c.2527A>G on transcript NM_007294.4 (MANE Select); coding-DNA position 2527, A replaced by G.
Protein change: p.Thr843Ala; replaces threonine 843 with alanine.
Molecular consequence: missense variant. On other transcripts: intron variant (137).
Genome position (GRCh38, 1-based): chr17:43,093,004, T>C on the plus strand (A>G on the coding strand, the complement: BRCA1 is on the minus strand). VCF-style: chr17-43093004-T-C. GRCh37 (hg19) VCF-style: chr17-41245021-T-C.
Other names: c.787+1740A>G (NM_001407993.1, NM_001407976.1, NM_001408404.1 and 17 more transcripts); c.652+1740A>G (NM_001408451.1); c.643+1740A>G (NM_001408464.1, NM_001408468.1, NM_001408465.1 and 3 more transcripts); c.523+1740A>G (NM_001408498.1, NM_001408501.1, NM_001408500.1 and 3 more transcripts); c.646+1740A>G (NM_001408467.1, NM_001408459.1, NM_001408455.1 and 11 more transcripts); c.583+1740A>G (NM_001408475.1); c.709+1740A>G (NM_001408412.1, NM_001408409.1, NM_001408414.1 and 2 more transcripts); c.451+1740A>G (NM_001408509.1, NM_001408508.1); and 41 more; short protein forms T843A, T796A, T675A, T715A, T731A, T773A, T795A, T802A.
Identifiers: ClinVar variation 54592 (VCV000054592.22), dbSNP rs80357435, ClinGen allele CA001675.